The following is an entry in ClinVar:

NM_000512.5(GALNS):c.688T>G (p.Trp230Gly)

Gene: GALNS (galactosamine (N-acetyl)-6-sulfatase; minus strand). Cytogenetic location: 16q24.3.
Variant type: single nucleotide variant.
Coding change: c.688T>G on transcript NM_000512.5 (MANE Select); coding-DNA position 688, T replaced by G.
Protein change: p.Trp230Gly; replaces tryptophan 230 with glycine.
Molecular consequence: missense variant.
Genome position (GRCh38, 1-based): chr16:88,835,795, A>C on the plus strand (T>G on the coding strand, the complement: GALNS is on the minus strand). VCF-style: chr16-88835795-A-C. GRCh37 (hg19) VCF-style: chr16-88902203-A-C.
Other names: c.133T>G, p.Trp45Gly (NM_001323543.2); c.706T>G, p.Trp236Gly (NM_001323544.2); short protein forms W230G, W236G, W45G.
Identifiers: ClinVar variation 1048475 (VCV001048475.3), dbSNP rs2143001411, ClinGen allele CA397080453.

ClinVar aggregate classification (germline): Uncertain significance (1 of 4 stars; one submission).

Conditions:
Mucopolysaccharidosis, MPS-IV-A (MPS4A). Also called: Mucopolysaccharidosis type IV A; Mucopolysaccharidosis Type IVA; Morquio syndrome A, mild; MORQUIO SYNDROME A; MPS IVA; mucopolysaccharidosis type 4A. Identifiers: Orphanet 309297, Orphanet 582, MedGen C0086651, MONDO:0009659, OMIM 253000.

Submission:

Laboratory of Diagnosis and Therapy of Lysosomal Disorders, University of Padova
Classification: Uncertain significance for Mucopolysaccharidosis, MPS-IV-A. Last evaluated: 2021-02-01. Review status: criteria provided, single submitter. Criteria: ACMG Guidelines, 2015. Collection method: curation. Allele origin: germline. Affected: yes.
Comment: In vivo functional studies supportive of a damaging effect on the gene product (low to null enzymatic activity in homozygotes; PS3_supporting); very low frequency in gnomAD v2.1.1 (PM2_moderate); multiple lines of computational evidence support a deleterious effect on the gene (PP3_supporting)

Literature cited by the submitters: PubMed 24726177; PubMed 7633425; PubMed 34387910.